The following is an entry in ClinVar:

NM_021922.3(FANCE):c.1111C>T (p.Arg371Trp)

Gene: FANCE (FA complementation group E; plus strand). Cytogenetic location: 6p21.31.
Variant type: single nucleotide variant.
Coding change: c.1111C>T on transcript NM_021922.3 (MANE Select); coding-DNA position 1111, C replaced by T.
Protein change: p.Arg371Trp; replaces arginine 371 with tryptophan.
Molecular consequence: missense variant.
Genome position (GRCh38, 1-based): chr6:35,458,438, C>T. VCF-style: chr6-35458438-C-T. GRCh37 (hg19) VCF-style: chr6-35426215-C-T.
Other names: short protein forms R371W.
Identifiers: ClinVar variation 566449 (VCV000566449.39), dbSNP rs775076977, ClinGen allele CA3771596.

ClinVar aggregate classification (germline): Pathogenic/Likely pathogenic. Review status: criteria provided, multiple submitters, no conflicts (2 of 4 stars). 14 submissions from 14 submitters: Pathogenic (5); Likely pathogenic (7). 2 of the submissions do not count toward it. Last evaluated 2026-08-17.
ClinVar aggregate classification (oncogenicity): Uncertain significance (1 of 4 stars; one submission).

Conditions:
FANCE-related disorders.
FANCE-related disorder. Also called: FANCE-related condition.
Fanconi anemia complementation group E (FANCE). Also called: FANCE-Related Fanconi Anemia. Identifiers: Orphanet 84, MedGen C3160739, MONDO:0010953, OMIM 600901.
Fanconi anemia (FA). Also called: Fanconi's anemia. Identifiers: Orphanet 84, MedGen C0015625, MeSH D005199, MONDO:0019391.
Neoplasm. Also called: Neoplasms; Neoplasm (disease); tumor. Identifiers: MedGen C0027651, MeSH D009369, MONDO:0005070, HP:0002664.

Allele frequency attached by ClinVar (database versions not stated): gnomAD 0.00004 and 0.00003; gnomAD exomes 0.00006 and 0.00012; TOPMed 0.00006; ExAC 0.00007.

Submissions (16):

Center for Genomic Medicine, Rigshospitalet, Copenhagen University Hospital
Classification: Uncertain significance for Neoplasm. Last evaluated: 2026-10-16. Review status: criteria provided, single submitter. Criteria: ClinGen/CGC/VICC Guidelines for Oncogenicity, 2022. Collection method: clinical testing. Allele origin: somatic. Affected: yes.

Laboratorio de Genetica e Diagnostico Molecular, Hospital Israelita Albert Einstein
Classification: Likely pathogenic for Fanconi anemia complementation group E. Last evaluated: 2026-08-17. Review status: criteria provided, single submitter. Criteria: ACMG Guidelines, 2015. Collection method: clinical testing. Allele origin: germline. Affected: yes.
Comment: ACMG classification criteria: PS3 supporting, PM2 supporting, PM3 strong Following a review of updated scientific and clinical evidence, the classification of the variant was revised from variant of uncertain significance to likely pathogenic. This reclassification is supported by its detection in affected patients (PMIDs: 17924555, 22778927) and experimental data demonstrating hat this missense variant affects FANCE function (PMID: 17308347).

GeneDx
Classification: Likely pathogenic. Last evaluated: 2026-07-19. Review status: criteria provided, single submitter. Criteria: GeneDx Variant Classification Process June 2021. Collection method: clinical testing. Allele origin: germline.
Comment: Reported in individuals with breast, ovarian, colorectal, and pancreatic cancer and an individual with head and neck squamous cell carcinoma (PMID: 27153395, 28678401, 36655350, 39256447); Published functional studies demonstrate a loss of interaction with FANCD2 in yeast (PMID: 17308347); In silico analysis supports that this missense variant has a deleterious effect on protein structure/function; This variant is associated with the following publications: (PMID: 28678401, 33942288, 22778927, 19464302, 17924555, 36655350, 36845387, 27153395, 36463940, 39256447, Torres2026[abstract], 42123592, 39315505, 34347148, 40118241, 32487094, 17308347)

Institute of Medical Genetics and Applied Genomics, University Hospital Tübingen
Classification: Likely pathogenic for Fanconi anemia complementation group E. Last evaluated: 2026-06-19. Review status: criteria provided, single submitter. Criteria: ACMG Guidelines, 2015. Collection method: clinical testing. Allele origin: germline. Inheritance: Autosomal recessive inheritance. Affected: yes.

Dasa
Classification: Pathogenic. Last evaluated: 2026-01-28. Review status: criteria provided, single submitter. Criteria: DASA Assertion Criteria. Collection method: clinical testing. Allele origin: germline.
Comment: NM_021922.3(FANCE):c.1111C>T (p.Arg371Trp) is a missense variant that results in the substitution of arginine with tryptophan. This variant has been observed in affected individuals with related phenotype in a genotype context consistent with recessive disease (PMID: 17308347; PMID: 22778927; PMID: 17924555; PMID: 32487094; PMID: 31839986). Functional evidence supports a deleterious effect on the gene or gene product (PMID: 17308347; PMID: 22778927; PMID: 17924555; PMID: 32487094; PMID: 31839986). This variant has been recurrently observed in individuals with related phenotype (PMID: 17308347; PMID: 22778927; PMID: 17924555; PMID: 32487094; PMID: 31839986). Multiple computational predictions support a deleterious effect on the gene or gene product. The variant is present at low frequency in population datasets. Based on the available data, this variant is classified as pathogenic.

Labcorp Genetics (formerly Invitae), Labcorp
Classification: Pathogenic for Fanconi anemia complementation group E. Last evaluated: 2026-01-24. Review status: criteria provided, single submitter. Criteria: Invitae Variant Classification Sherloc (09022015). Collection method: clinical testing. Allele origin: germline.
Comment: This sequence change replaces arginine, which is basic and polar, with tryptophan, which is neutral and slightly polar, at codon 371 of the FANCE protein (p.Arg371Trp). This variant is present in population databases (rs775076977, gnomAD 0.08%). This missense change has been observed in individuals with Fanconi anemia (PMID: 17924555, 22778927; internal data). ClinVar contains an entry for this variant (Variation ID: 566449). An algorithm developed to predict the effect of missense changes on protein structure and function (PolyPhen-2) suggests that this variant is likely to be disruptive. Experimental studies have shown that this missense change affects FANCE function (PMID: 17308347). Algorithms developed to predict the effect of sequence changes on RNA splicing suggest that this variant may disrupt the consensus splice site. For these reasons, this variant has been classified as Pathogenic.

CeGaT Center for Human Genetics Tuebingen
Classification: Likely pathogenic. Last evaluated: 2025-06-01. Review status: criteria provided, single submitter. Criteria: CeGaT Center For Human Genetics Tuebingen Variant Classification Criteria Version 2. Collection method: clinical testing. Allele origin: germline. Affected: yes. Observed: 1 variant allele.
Comment: FANCE: PM3:Strong, PM2, PS3:Supporting, BP4

Women's Health and Genetics/Laboratory Corporation of America, LabCorp
Classification: Pathogenic for Fanconi anemia. Last evaluated: 2024-08-09. Review status: criteria provided, single submitter. Criteria: LabCorp Variant Classification Summary - May 2015. Collection method: clinical testing. Allele origin: germline.
Comment: Variant summary: FANCE c.1111C>T (p.Arg371Trp) results in a non-conservative amino acid change located in the Fanconi Anaemia group E protein, C-terminal (IPR021025) of the encoded protein sequence. Three of four in-silico tools predict a damaging effect of the variant on protein function. Several computational tools predict a significant impact on normal splicing: Three predict the variant weakens a 5' donor site. One predict the variant no significant impact on splicing. However, these predictions have yet to be confirmed by functional studies. The variant allele was found at a frequency of 0.00012 in 251428 control chromosomes. This frequency is not significantly higher than estimated for a pathogenic variant in FANCE causing Fanconi Anemia (0.00012 vs 0.00048), allowing no conclusion about variant significance. c.1111C>T has been reported in the literature in individuals affected with Fanconi Anemia (Ameziane_2008, Gille_2012). These data indicate that the variant is likely to be associated with disease. At least one publication reports experimental evidence evaluating an impact on protein function. The most pronounced variant effect results loss of interaction with FANCD2 in yeast (Nookala_2007). The following publications have been ascertained in the context of this evaluation (PMID: 17924555, 17308347, 22778927). ClinVar contains an entry for this variant (Variation ID: 566449). Based on the evidence outlined above, the variant was classified as pathogenic.

Blueprint Genetics
Classification: Likely pathogenic for FANCE-related disorders. Last evaluated: 2024-05-08. Review status: criteria provided, single submitter. Criteria: ACMG Guidelines, 2015. Collection method: clinical testing. Allele origin: germline. Affected: yes. Observed: 2 variant alleles.

Baylor Genetics
Classification: Pathogenic for Fanconi anemia complementation group E. Last evaluated: 2024-03-09. Review status: criteria provided, single submitter. Criteria: ACMG Guidelines, 2015. Collection method: clinical testing. Allele origin: unknown.

Illumina Laboratory Services, Illumina
Classification: Likely pathogenic for Fanconi anemia complementation group E. Last evaluated: 2023-05-26. Review status: criteria provided, single submitter. Criteria: ICSLVariantClassificationCriteria RUGD 01 April 2020. Collection method: clinical testing. Allele origin: unknown.
Comment: The FANCE c.1111C>T (p.Arg371Trp) missense variant has been reported in a homozygous state in at least four individuals with Fanconi anemia (PMIDs: 17924555; 36463940; 22778927). This variant is reported in the Genome Aggregation Database in nine alleles at a frequency of 0.000868 in the Ashkenazi Jewish population (version 2.1.1). Data from the FANCE crystal structure suggest p.Arg371Trp may destabilize ternary protein conformation and experiments using a yeast two hybrid system indicate the variant disrupts the interaction between FANCE and FANC2 within the FA complex (PMID: 17308347). Based on the available evidence, the c.1111C>T (p.Arg371Trp) variant is classified as likely pathogenic for Fanconi anemia.

Genetic Services Laboratory, University of Chicago
Classification: Pathogenic. Last evaluated: 2021-05-26. Review status: criteria provided, single submitter. Criteria: ACMG Guidelines, 2015. Collection method: clinical testing. Allele origin: germline. Affected: yes.
Comment: DNA sequence analysis of the FANCE gene demonstrated a sequence change, c.1111C>T, in exon 5 that results in an amino acid change, p.Arg371Trp. This sequence change has been described in gnomAD with a frequency of 0.087% in the Ashkenazi Jewish sub-population (dbSNP rs775076977). The p.Arg371Trp change affects a moderately conserved amino acid residue located in a domain of the FANCE protein that is known to be functional. In-silico pathogenicity prediction tools (SIFT, PolyPhen2, Align GVGD, REVEL) provide contradictory results for the p.Arg371Trp substitution. This sequence change has been reported in the homozygous state in several individuals with Fanconi anemia (PMID: 17924555, 22778927), as well as an individual affected with head and neck squamous cell carcinoma (PMID: 28678401). Functional studies have demonstrated that this missense change in disrupts FANCE√¢‚Ç¨‚ÄúFANCD2 interaction in yeast (PMID: 17308347).

Juno Genomics, Hangzhou Juno Genomics, Inc
Classification: Likely pathogenic for Fanconi anemia complementation group E. Review status: criteria provided, single submitter. Criteria: ACMG Guidelines, 2015. Collection method: clinical testing. Allele origin: germline.
Comment: Absent from controls (or at extremely low frequency if recessive) in Genome Aggregation Database.;For recessive disorders, detected in trans with a pathogenic variant.;Patient's phenotype or family history is highly specific for a disease with a single genetic etiology.;Well-established in vitro or in vivo functional studies supportive of a damaging effect on the gene or gene product.

PreventionGenetics, part of Exact Sciences
Classification: Pathogenic for FANCE-related condition. Last evaluated: 2024-08-05. Review status: no assertion criteria provided. Collection method: clinical testing. Allele origin: germline. Not counted in ClinVar's aggregate classification.
Comment: The FANCE c.1111C>T variant is predicted to result in the amino acid substitution p.Arg371Trp. This variant, in the homozygous state or along with a second variant in FANCE, has been reported in several patients with Fanconi anemia (Ameziane et al. 2008. PubMed ID: 17924555; Gille et al. 2012. PubMed ID: 22778927, Nie et al. 2020. PubMed ID: 32487094). This variant was also reported as likely pathogenic in a fetus with absence of radius or tibiofibular (Supplementary info 2 and Table S2, Zhang et al. 2021. PubMed ID: 33942288). Functional studies suggest that this variant is expected to alter protein structure and function (Nookala et al. 2007. PubMed ID: 17308347). This variant is reported in 0.087% of alleles in individuals of Ashkenazi Jewish descent in gnomAD. This variant is interpreted as pathogenic.

Leiden Open Variation Database
Classification: Pathogenic for Fanconi anemia complementation group E. Last evaluated: 2012-04-08. Review status: no assertion criteria provided. Collection method: curation. Allele origin: germline. Affected: yes. Not counted in ClinVar's aggregate classification.
Comment: Curator: Arleen D. Auerbach. Submitters to LOVD: Arleen D. Auerbach, Johan de Winter.

Dr. Peter K. Rogan Lab, Western University
No classification provided (evidence only). Condition: Sarcoma. Review status: no classification provided. Collection method: in vitro. Allele origin: not applicable. Functional consequence: retained intron. Not counted in ClinVar's aggregate classification.

Literature cited by the submitters: PubMed 17308347 (cited by 5 submitters); PubMed 17924555 (cited by 6 submitters); PubMed 22778927 (cited by 6 submitters); PubMed 32487094 (cited by Dasa); PubMed 31839986 (cited by Dasa); PubMed 36463940 (cited by Illumina Laboratory Services, Illumina).